The following is an entry in ClinVar:

NM_001110556.2(FLNA):c.2565+6del

Gene: FLNA (filamin A; minus strand). Cytogenetic location: Xq28.
Variant type: Deletion.
Coding change: c.2565+6del on transcript NM_001110556.2 (MANE Select); 6 bases into the intron after coding-DNA position 2565, one base deleted (T; older notation c.2565+6delT).
Molecular consequence: intron variant.
Genome position (GRCh38, 1-based): chrX:154,362,412, A deleted on the plus strand (T on the coding strand, the reverse complement: FLNA is on the minus strand). VCF-style (leftmost placement, unchanged base first): chrX-154362411-CA-C. GRCh37 (hg19) VCF-style: chrX-153590779-CA-C.
Other names: c.2565+6del (NM_001456.4).
Identifiers: ClinVar variation 1512455 (VCV001512455.6), dbSNP rs2148114334, ClinGen allele CA2573159396.

ClinVar aggregate classification (germline): Uncertain significance (1 of 4 stars; one submission).

Conditions:
Heterotopia, periventricular, X-linked dominant (PVNH1). Also called: PERIVENTRICULAR NODULAR HETEROTOPIA 1; X-linked periventricular heterotopia; PERIVENTRICULAR NODULAR HETEROTOPIA 4; HETEROTOPIA, PERIVENTRICULAR, 1. Identifiers: Orphanet 2149, Orphanet 82004, MedGen C1848213, MONDO:0010233, OMIM 300049.
Melnick-Needles syndrome (MNS). Also called: Melnick-Needles Syndrome (FLNA-MNS); MELNICK-NEEDLES OSTEODYSPLASTY; OSTEODYSPLASTY OF MELNICK AND NEEDLES. Identifiers: Orphanet 2484, MedGen C0025237, MONDO:0010650, OMIM 309350.
Frontometaphyseal dysplasia (FMD1). Identifiers: Orphanet 1826, MedGen C0265293, MONDO:0015942.
Oto-palato-digital syndrome, type II (OPD2). Also called: Otopalatodigital Syndrome Type 2 (FLNA-OPD2); FACIOPALATOOSSEOUS SYNDROME; OPD II SYNDROME; Otopalatodigital Syndrome, Type II. Identifiers: Orphanet 669, Orphanet 90652, MedGen C1844696, MONDO:0010571, OMIM 304120.

Submission:

Labcorp Genetics (formerly Invitae), Labcorp
Classification: Uncertain significance for Oto-palato-digital syndrome, type II; Heterotopia, periventricular, X-linked dominant; Frontometaphyseal dysplasia; Melnick-Needles syndrome. Last evaluated: 2022-07-05. Review status: criteria provided, single submitter. Criteria: Invitae Variant Classification Sherloc (09022015). Collection method: clinical testing. Allele origin: germline.
Comment: This sequence change falls in intron 17 of the FLNA gene. It does not directly change the encoded amino acid sequence of the FLNA protein. It affects a nucleotide within the consensus splice site. In summary, the available evidence is currently insufficient to determine the role of this variant in disease. Therefore, it has been classified as a Variant of Uncertain Significance. Variants that disrupt the consensus splice site are a relatively common cause of aberrant splicing (PMID: 17576681, 9536098). Algorithms developed to predict the effect of sequence changes on RNA splicing suggest that this variant may create or strengthen a splice site. ClinVar contains an entry for this variant (Variation ID: 1512455). This variant has not been reported in the literature in individuals affected with FLNA-related conditions. This variant is not present in population databases (gnomAD no frequency).

Literature cited by the submitters: PubMed 17576681; PubMed 9536098.